The following is an entry in ClinVar:

ClinVar aggregate classification (germline): Uncertain significance (1 of 4 stars; one submission).

Allele frequency attached by ClinVar (database versions not stated): gnomAD 0.00001; gnomAD exomes 0.00001; TOPMed 0.00002.
gnomAD v4.1: 14 of 1,613,936 alleles (0.00087%); highest among the groups gnomAD compares: Non-Finnish European, 0.0012%; no homozygotes.

Submission:

Athena Diagnostics
Classification: Uncertain significance. Last evaluated: 2023-05-02. Review status: criteria provided, single submitter. Criteria: Athena Diagnostics Criteria. Collection method: clinical testing. Allele origin: unknown.
Comment: Available data are insufficient to determine the clinical significance of the variant at this time. The frequency of this variant in the general population is uninformative in assessment of its pathogenicity. Computational tools disagree on the variant's effect on normal protein function.

NM_000484.4(APP):c.2005G>A (p.Val669Met)

Gene: APP (amyloid beta precursor protein; minus strand). Cytogenetic location: 21q21.3.
Variant type: single nucleotide variant.
Coding change: c.2005G>A on transcript NM_000484.4 (MANE Select); coding-DNA position 2005, G replaced by A.
Protein change: p.Val669Met; replaces valine 669 with methionine.
Molecular consequence: missense variant.
Genome position (GRCh38, 1-based): chr21:25,897,632, C>T on the plus strand (G>A on the coding strand, the complement: APP is on the minus strand). VCF-style: chr21-25897632-C-T. GRCh37 (hg19) VCF-style: chr21-27269944-C-T.
Other names: c.1933G>A, p.Val645Met (NM_001136016.3); c.1612G>A, p.Val538Met (NM_001136129.3); c.1837G>A, p.Val613Met (NM_001136130.3, NM_001385253.1); c.1675G>A, p.Val559Met (NM_001136131.3); c.1951G>A, p.Val651Met (NM_001204301.2); c.1894G>A, p.Val632Met (NM_001204302.2); c.1726G>A, p.Val576Met (NM_001204303.2); c.1948G>A, p.Val650Met (NM_201413.3); and 1 more; short protein forms V538M, V559M, V576M, V594M, V613M, V632M, V645M, V650M.
Identifiers: ClinVar variation 2684330 (VCV002684330.1), dbSNP rs1259157720, ClinGen allele CA409806473.
Genomic context (GRCh38, chr21:25,897,632, plus strand): 5'-CCAATTTTTGATGATGAACTTCATATCCTGAGTCATGTCGGAATTCTGCATCCATCTTCA[C>T]TTCAGAGATCTCCTCCGTCTTGATATTTGTCAACCCAGAACCTGTATTACATCATAATTA-3'
Protein context (NP_000475.1, residues 659-679): TNIKTEEISE[Val669Met]KMDAEFRHDS